The following is an entry in ClinVar:

NM_018684.4(ZC4H2):c.653C>T (p.Pro218Leu)

Gene: ZC4H2 (zinc finger C4H2-type containing; minus strand). Cytogenetic location: Xq11.2.
Variant type: single nucleotide variant.
Coding change: c.653C>T on transcript NM_018684.4 (MANE Select); coding-DNA position 653, C replaced by T.
Protein change: p.Pro218Leu; replaces proline 218 with leucine.
Molecular consequence: missense variant. On other transcripts: nonsense (1), non-coding transcript variant (1).
Genome position (GRCh38, 1-based): chrX:64,917,805, G>A on the plus strand (C>T on the coding strand, the complement: ZC4H2 is on the minus strand). VCF-style: chrX-64917805-G-A. GRCh37 (hg19) VCF-style: chrX-64137685-G-A.
Other names: c.584C>T, p.Pro195Leu (NM_001178032.3, NM_001243804.2); c.490C>T, p.Arg164Ter (NM_001178033.3); short protein forms P218L, R164*, P195L.
Identifiers: ClinVar variation 3192476 (VCV003192476.3), dbSNP rs758832940, ClinGen allele CA10433365.

ClinVar aggregate classification (germline): Uncertain significance. Review status: criteria provided, multiple submitters, no conflicts (2 of 4 stars). 2 submissions from 2 submitters: Uncertain significance (2). Last evaluated 2026-01-05.

Conditions:
Inborn genetic diseases. Identifiers: MedGen C0950123, MeSH D030342.

Allele frequency attached by ClinVar (database versions not stated): TOPMed 0.00002; gnomAD 0.00003; gnomAD exomes below 0.00001; ExAC 0.00001.
gnomAD v4.1: 6 of 1,209,068 alleles (0.0005%); highest among the groups gnomAD compares: African/African-American, 0.0053%; no homozygotes.

Submissions (2):

Labcorp Genetics (formerly Invitae), Labcorp
Classification: Uncertain significance. Last evaluated: 2026-01-05. Review status: criteria provided, single submitter. Criteria: Invitae Variant Classification Sherloc (09022015). Collection method: clinical testing. Allele origin: germline.
Comment: This sequence change replaces proline, which is neutral and non-polar, with leucine, which is neutral and non-polar, at codon 218 of the ZC4H2 protein (p.Pro218Leu). The frequency data for this variant in the population databases is considered unreliable, as metrics indicate poor data quality at this position in the gnomAD database. This variant has not been reported in the literature in individuals affected with ZC4H2-related conditions. ClinVar contains an entry for this variant (Variation ID: 3192476). An algorithm developed to predict the effect of missense changes on protein structure and function (PolyPhen-2) suggests that this variant is likely to be disruptive. In summary, the available evidence is currently insufficient to determine the role of this variant in disease. Therefore, it has been classified as a Variant of Uncertain Significance.

Ambry Genetics
Classification: Uncertain significance for Inborn genetic diseases. Last evaluated: 2023-10-27. Review status: criteria provided, single submitter. Criteria: Ambry Variant Classification Scheme 2023. Collection method: clinical testing. Allele origin: germline.